The following is an entry in ClinVar:

ClinVar aggregate classification (germline): Uncertain significance (1 of 4 stars; one submission).

Conditions:
Inborn genetic diseases. Identifiers: MedGen C0950123, MeSH D030342.

gnomAD v4.1: 4 of 1,614,174 alleles (0.00025%); highest among the groups gnomAD compares: African/African-American, 0.0027%; no homozygotes.

Submission:

Ambry Genetics
Classification: Uncertain significance for Inborn genetic diseases. Last evaluated: 2025-12-09. Review status: criteria provided, single submitter. Criteria: Ambry Variant Classification Scheme 2023. Collection method: clinical testing. Allele origin: germline.
Comment: The p.P507S variant (also known as c.1519C>T), located in coding exon 8 of the MECOM gene, results from a C to T substitution at nucleotide position 1519. The proline at codon 507 is replaced by serine, an amino acid with similar properties. This amino acid position is conserved. In addition, the in silico prediction for this alteration is inconclusive. Based on the available evidence, the clinical significance of this variant remains unclear.

NM_004991.4(MECOM):c.1519C>T (p.Pro507Ser)

Gene: MECOM (MDS1 and EVI1 complex locus; minus strand). Cytogenetic location: 3q26.2.
Variant type: single nucleotide variant.
Coding change: c.1519C>T on transcript NM_004991.4 (MANE Select); coding-DNA position 1519, C replaced by T.
Protein change: p.Pro507Ser; replaces proline 507 with serine.
Molecular consequence: missense variant. On other transcripts: intron variant (2).
Genome position (GRCh38, 1-based): chr3:169,116,353, G>A on the plus strand (C>T on the coding strand, the complement: MECOM is on the minus strand). VCF-style: chr3-169116353-G-A. GRCh37 (hg19) VCF-style: chr3-168834141-G-A.
Other names: c.1150C>T, p.Pro384Ser (NM_001105077.4); c.955C>T, p.Pro319Ser (NM_001105078.4, NM_001164000.2, NM_001205194.2 and 4 more transcripts); c.958C>T, p.Pro320Ser (NM_001163999.2, NM_001366467.2, NM_001366468.2 and 1 more transcripts); c.1519C>T, p.Pro507Ser (NM_001366466.2); c.1133-586C>T (NM_001366473.2); c.569-586C>T (NM_001366474.2); short protein forms P384S, P320S, P507S, P319S.
Identifiers: ClinVar variation 4624744 (VCV004624744.1).